The following is an entry in ClinVar:

NM_000038.6(APC):c.3396A>T (p.Glu1132Asp)

Gene: APC (APC regulator of Wnt signaling pathway; plus strand). Cytogenetic location: 5q22.2.
Variant type: single nucleotide variant.
Coding change: c.3396A>T on transcript NM_000038.6 (MANE Select); coding-DNA position 3396, A replaced by T.
Protein change: p.Glu1132Asp; replaces glutamic acid 1132 with aspartic acid.
Molecular consequence: missense variant.
Genome position (GRCh38, 1-based): chr5:112,838,990, A>T. VCF-style: chr5-112838990-A-T. GRCh37 (hg19) VCF-style: chr5-112174687-A-T.
Other names: c.3396A>T, p.Glu1132Asp (NM_001127510.3, NM_001354895.2); c.3342A>T, p.Glu1114Asp (NM_001127511.3); c.3450A>T, p.Glu1150Asp (NM_001354896.2); c.3426A>T, p.Glu1142Asp (NM_001354897.2); c.3321A>T, p.Glu1107Asp (NM_001354898.2); c.3312A>T, p.Glu1104Asp (NM_001354899.2); c.3273A>T, p.Glu1091Asp (NM_001354900.2); c.3219A>T, p.Glu1073Asp (NM_001354901.2); and 5 more; short protein forms E1114D, E1132D, E1073D, E1107D, E1150D, E1006D, E849D, E1031D.
Identifiers: ClinVar variation 565762 (VCV000565762.10), dbSNP rs1561584490, ClinGen allele CA16028775.

ClinVar aggregate classification (germline): Uncertain significance (1 of 4 stars; one submission).

Conditions:
Familial adenomatous polyposis 1 (FAP1). Also called: FAMILIAL ADENOMATOUS POLYPOSIS 1, ATTENUATED; POLYPOSIS, ADENOMATOUS INTESTINAL. Identifiers: MedGen C2713442, MONDO:0021056, OMIM 175100. Disease mechanism: loss of function.

Submission:

Labcorp Genetics (formerly Invitae), Labcorp
Classification: Uncertain significance for Familial adenomatous polyposis 1. Last evaluated: 2018-03-13. Review status: criteria provided, single submitter. Criteria: Invitae Variant Classification Sherloc (09022015). Collection method: clinical testing. Allele origin: germline.
Comment: This variant is not present in population databases (ExAC no frequency). This variant has not been reported in the literature in individuals with APC-related disease. Algorithms developed to predict the effect of missense changes on protein structure and function (SIFT, PolyPhen-2, Align-GVGD) all suggest that this variant is likely to be tolerated, but these predictions have not been confirmed by published functional studies and their clinical significance is uncertain. In summary, the available evidence is currently insufficient to determine the role of this variant in disease. Therefore, it has been classified as a Variant of Uncertain Significance. This sequence change replaces glutamic acid with aspartic acid at codon 1132 of the APC protein (p.Glu1132Asp). The glutamic acid residue is moderately conserved and there is a small physicochemical difference between glutamic acid and aspartic acid.